The following is an entry in ClinVar:

NM_020937.4(FANCM):c.1022T>G (p.Phe341Cys)

Gene: FANCM (FA complementation group M; plus strand). Cytogenetic location: 14q21.2.
Variant type: single nucleotide variant.
Coding change: c.1022T>G on transcript NM_020937.4 (MANE Select); coding-DNA position 1022, T replaced by G.
Protein change: p.Phe341Cys; replaces phenylalanine 341 with cysteine.
Molecular consequence: missense variant.
Genome position (GRCh38, 1-based): chr14:45,151,500, T>G. VCF-style: chr14-45151500-T-G. GRCh37 (hg19) VCF-style: chr14-45620703-T-G.
Other names: c.944T>G, p.Phe315Cys (NM_001308133.2); c.1022T>G, p.Phe341Cys (NM_001308134.2); short protein forms F341C, F315C.
Identifiers: ClinVar variation 1357794 (VCV001357794.10), dbSNP rs756238597, ClinGen allele CA7168905.

ClinVar aggregate classification (germline): Uncertain significance. Review status: criteria provided, multiple submitters, no conflicts (2 of 4 stars). 2 submissions from 2 submitters: Uncertain significance (2). Last evaluated 2024-09-15.

Conditions:
Fanconi anemia (FA). Also called: Fanconi's anemia. Identifiers: Orphanet 84, MedGen C0015625, MeSH D005199, MONDO:0019391.

Allele frequency attached by ClinVar (database versions not stated): gnomAD exomes below 0.00001 and 0.00001; ExAC 0.00001.
gnomAD v4.1: 16 of 1,613,004 alleles (0.00099%); highest among the groups gnomAD compares: South Asian, 0.018%; no homozygotes.

Submissions (2):

Labcorp Genetics (formerly Invitae), Labcorp
Classification: Uncertain significance for Fanconi anemia. Last evaluated: 2024-09-15. Review status: criteria provided, single submitter. Criteria: Invitae Variant Classification Sherloc (09022015). Collection method: clinical testing. Allele origin: germline.
Comment: This sequence change replaces phenylalanine, which is neutral and non-polar, with cysteine, which is neutral and slightly polar, at codon 341 of the FANCM protein (p.Phe341Cys). This variant is present in population databases (rs756238597, gnomAD 0.003%). This variant has not been reported in the literature in individuals affected with FANCM-related conditions. ClinVar contains an entry for this variant (Variation ID: 1357794). An algorithm developed to predict the effect of missense changes on protein structure and function (PolyPhen-2) suggests that this variant is likely to be disruptive. In summary, the available evidence is currently insufficient to determine the role of this variant in disease. Therefore, it has been classified as a Variant of Uncertain Significance.

GeneDx
Classification: Uncertain significance. Last evaluated: 2024-05-13. Review status: criteria provided, single submitter. Criteria: GeneDx Variant Classification Process June 2021. Collection method: clinical testing. Allele origin: germline. Affected: yes.
Comment: Not observed at significant frequency in large population cohorts (gnomAD); In silico analysis supports that this missense variant has a deleterious effect on protein structure/function; Has not been previously published as pathogenic or benign to our knowledge